The following is an entry in ClinVar:

NM_001267550.2(TTN):c.11311+1079T>C

Gene: TTN (titin; minus strand). Cytogenetic location: 2q31.2.
Variant type: single nucleotide variant.
Coding change: c.11311+1079T>C on transcript NM_001267550.2 (MANE Select); 1079 bases into the intron after coding-DNA position 11311, T replaced by C.
Molecular consequence: intron variant.
Genome position (GRCh38, 1-based): chr2:178,752,045, A>G on the plus strand (T>C on the coding strand, the complement: TTN is on the minus strand). VCF-style: chr2-178752045-A-G. GRCh37 (hg19) VCF-style: chr2-179616772-A-G.
Other names: c.10361-6T>C (NM_133379.5); c.10222+1079T>C (NM_003319.4); c.10798+1079T>C (NM_133437.4); c.10597+1079T>C (NM_133432.3); c.10360+1079T>C (NM_133378.4, NM_001256850.1).
Identifiers: ClinVar variation 3353403 (VCV003353403.1).

ClinVar aggregate classification (germline): Likely benign (0 of 4 stars; one submission).

Conditions:
TTN-related disorder. Also called: TTN-related condition; TTN-related disease; TTN-related disorders.

gnomAD v4.1: 22 of 495,954 alleles (0.0044%); highest among the groups gnomAD compares: East Asian, 0.19%; no homozygotes.

Submission:

PreventionGenetics, part of Exact Sciences
Classification: Likely benign for TTN-related condition. Last evaluated: 2024-09-04. Review status: no assertion criteria provided. Collection method: clinical testing. Allele origin: germline.
Comment: This variant is classified as likely benign based on ACMG/AMP sequence variant interpretation guidelines (Richards et al. 2015 PMID: 25741868, with internal and published modifications).